The following is an entry in ClinVar:

ClinVar aggregate classification (germline): Uncertain significance (1 of 4 stars; one submission).

Submission:

Labcorp Genetics (formerly Invitae), Labcorp
Classification: Uncertain significance. Last evaluated: 2023-10-09. Review status: criteria provided, single submitter. Criteria: Invitae Variant Classification Sherloc (09022015). Collection method: clinical testing. Allele origin: germline.
Comment: This sequence change disrupts the translational stop signal of the HOMER2 mRNA. It is expected to extend the length of the HOMER2 protein by 10 additional amino acid residues. This variant is not present in population databases (gnomAD no frequency). This variant has not been reported in the literature in individuals affected with HOMER2-related conditions. In summary, the available evidence is currently insufficient to determine the role of this variant in disease. Therefore, it has been classified as a Variant of Uncertain Significance.

NM_004839.4(HOMER2):c.1030T>G (p.Ter344Glu)

Gene: HOMER2 (homer scaffold protein 2; minus strand). Cytogenetic location: 15q25.2.
Variant type: single nucleotide variant.
Coding change: c.1030T>G on transcript NM_004839.4 (MANE Select); coding-DNA position 1030, T replaced by G.
Protein change: p.Ter344Glu.
Molecular consequence: stop lost.
Genome position (GRCh38, 1-based): chr15:82,849,717, A>C on the plus strand (T>G on the coding strand, the complement: HOMER2 is on the minus strand). VCF-style: chr15-82849717-A-C. GRCh37 (hg19) VCF-style: chr15-83518469-A-C.
Other names: c.1063T>G, p.Ter355Glu (NM_199330.3).
Identifiers: ClinVar variation 2767236 (VCV002767236.3), dbSNP rs2505106885, ClinGen allele CA393318486.
Genomic context (GRCh38, chr15:82,849,717, plus strand): 5'-TATCTGGTCTCGCACACACGCTTGGGACTCACGGGCGGGGCCTGGGCCTCGGCCAGCCCT[A>C]GTTATCGGTGCCCAGCTTGGAGAGCCCTCGGCGGAAGTCATGCAGGTCGTCAATCTTCCC-3'